The following is an entry in ClinVar:

ClinVar aggregate classification (germline): Likely benign. Review status: criteria provided, multiple submitters, no conflicts (2 of 4 stars). 5 submissions from 5 submitters: Likely benign (4). 1 of the submissions does not count toward it. Last evaluated 2026-09-02.

Conditions:
Charlevoix-Saguenay spastic ataxia (SACS). Also called: SPASTIC ATAXIA 6, AUTOSOMAL RECESSIVE; Spastic ataxia of Charlevoix-Saguenay; AUTOSOMAL RECESSIVE SPASTIC ATAXIA OF CHARLEVOIX-SAGUENAY. Identifiers: Orphanet 98, MedGen C1849140, MONDO:0010041, OMIM 270550.
SACS-related disorder. Also called: SACS-related condition.
Spastic paraplegia. Identifiers: MedGen C0037772, HP:0001258.

Allele frequency attached by ClinVar (database versions not stated): gnomAD exomes 0.00003 and 0.00018; ESP Exome Variant Server 0.00008; TOPMed 0.00010; gnomAD 0.00012 and 0.00013; ExAC 0.00017; 1000 Genomes Project 0.00040; 1000 Genomes Project 30x 0.00047.
gnomAD v4.1: 79 of 1,613,170 alleles (0.0049%); highest among the groups gnomAD compares: East Asian, 0.11%; no homozygotes.

Submissions (5):

PreventionGenetics, part of Exact Sciences
Classification: Likely benign for SACS-related condition. Last evaluated: 2026-09-02. Review status: criteria provided, single submitter. Criteria: ACMG Guidelines, 2015. Collection method: clinical testing. Allele origin: germline.
Comment: This variant is classified as likely benign based on ACMG/AMP sequence variant interpretation guidelines (Richards et al. 2015 PMID: 25741868, with internal and published modifications).

Labcorp Genetics (formerly Invitae), Labcorp
Classification: Likely benign for Spastic paraplegia. Last evaluated: 2026-01-25. Review status: criteria provided, single submitter. Criteria: Invitae Variant Classification Sherloc (09022015). Collection method: clinical testing. Allele origin: germline.

CeGaT Center for Human Genetics Tuebingen
Classification: Likely benign. Last evaluated: 2025-12-01. Review status: criteria provided, single submitter. Criteria: CeGaT Center For Human Genetics Tuebingen Variant Classification Criteria Version 2. Collection method: clinical testing. Allele origin: germline. Affected: yes. Observed: 1 variant allele.
Comment: SACS: BP4, BP7

Blueprint Genetics
Classification: Likely benign. Last evaluated: 2024-09-13. Review status: criteria provided, single submitter. Criteria: ACMG Guidelines, 2015. Collection method: clinical testing. Allele origin: germline.

Natera, Inc.
Classification: Likely benign for Charlevoix-Saguenay type spastic ataxia. Last evaluated: 2020-04-29. Review status: no assertion criteria provided. Collection method: clinical testing. Allele origin: germline. Not counted in ClinVar's aggregate classification.

NM_014363.6(SACS):c.4998A>G (p.Thr1666=)

Gene: SACS (sacsin molecular chaperone; minus strand). Cytogenetic location: 13q12.12.
Variant type: single nucleotide variant.
Coding change: c.4998A>G on transcript NM_014363.6 (MANE Select); coding-DNA position 4998, A replaced by G.
Protein change: p.Thr1666=; no amino-acid change (threonine 1666 retained).
Molecular consequence: synonymous variant.
Genome position (GRCh38, 1-based): chr13:23,338,878, T>C on the plus strand (A>G on the coding strand, the complement: SACS is on the minus strand). VCF-style: chr13-23338878-T-C. GRCh37 (hg19) VCF-style: chr13-23913017-T-C.
Other names: c.4557A>G, p.Thr1519= (NM_001278055.2).
Identifiers: ClinVar variation 695962 (VCV000695962.19), dbSNP rs184994682, ClinGen allele CA6911310.